The following is an entry in ClinVar:

ClinVar aggregate classification (germline): Uncertain significance. Review status: criteria provided, multiple submitters, no conflicts (2 of 4 stars). 2 submissions from 2 submitters: Uncertain significance (2). Last evaluated 2025-06-26.

Conditions:
Benign neonatal seizures. Also called: Benign familial neonatal seizures; Benign neonatal familial convulsions; Convulsions benign familial neonatal dominant form; Autosomal dominant form of benign neonatal seizures; Benign familial neonatal epilepsy. Identifiers: Orphanet 1949, MedGen C0220669, MONDO:0016027.

Allele frequency attached by ClinVar (database versions not stated): TOPMed below 0.00001; gnomAD 0.00001; gnomAD exomes 0.00001.
gnomAD v4.1: 10 of 1,613,858 alleles (0.00062%); highest among the groups gnomAD compares: Non-Finnish European, 0.00059%; no homozygotes.

Submissions (2):

GeneDx
Classification: Uncertain significance. Last evaluated: 2025-06-26. Review status: criteria provided, single submitter. Criteria: GeneDx Variant Classification Process June 2021. Collection method: clinical testing. Allele origin: germline. Affected: yes.
Comment: Not observed at significant frequency in large population cohorts (gnomAD); In silico analysis suggests that this missense variant does not alter protein structure/function; Has not been previously published as pathogenic or benign to our knowledge

Labcorp Genetics (formerly Invitae), Labcorp
Classification: Uncertain significance for Benign neonatal seizures. Last evaluated: 2022-11-24. Review status: criteria provided, single submitter. Criteria: Invitae Variant Classification Sherloc (09022015). Collection method: clinical testing. Allele origin: germline.
Comment: This variant is present in population databases (no rsID available, gnomAD 0.01%). This sequence change replaces methionine, which is neutral and non-polar, with leucine, which is neutral and non-polar, at codon 647 of the KCNQ3 protein (p.Met647Leu). This variant has not been reported in the literature in individuals affected with KCNQ3-related conditions. In summary, the available evidence is currently insufficient to determine the role of this variant in disease. Therefore, it has been classified as a Variant of Uncertain Significance. Advanced modeling of protein sequence and biophysical properties (such as structural, functional, and spatial information, amino acid conservation, physicochemical variation, residue mobility, and thermodynamic stability) performed at Invitae indicates that this missense variant is not expected to disrupt KCNQ3 protein function. ClinVar contains an entry for this variant (Variation ID: 952842).

NM_004519.4(KCNQ3):c.1939A>T (p.Met647Leu)

Gene: KCNQ3 (potassium voltage-gated channel subfamily Q member 3; minus strand). Cytogenetic location: 8q24.22.
Variant type: single nucleotide variant.
Coding change: c.1939A>T on transcript NM_004519.4 (MANE Select); coding-DNA position 1939, A replaced by T.
Protein change: p.Met647Leu; replaces methionine 647 with leucine.
Molecular consequence: missense variant.
Genome position (GRCh38, 1-based): chr8:132,129,942, T>A on the plus strand (A>T on the coding strand, the complement: KCNQ3 is on the minus strand). VCF-style: chr8-132129942-T-A. GRCh37 (hg19) VCF-style: chr8-133142189-T-A.
Other names: c.1579A>T, p.Met527Leu (NM_001204824.2); short protein forms M647L, M527L.
Identifiers: ClinVar variation 952842 (VCV000952842.10), dbSNP rs1274926731, ClinGen allele CA372217291.
Genomic context (GRCh38, chr8:132,129,942, plus strand): 5'-CTGGCGAGGAGGTGCCCTTGGTTGGGTAATACTCCGTGACCTGCACCTGCAACCGTTCCA[T>A]GTGTTGCATGTGCATATCCACGAGGAAGTCCAGCTTCTTCCCCATGTCCTGAACCTGGAA-3'
Protein context (NP_004510.1, residues 637-657): DFLVDMHMQH[Met647Leu]ERLQVQVTEY